The following is an entry in ClinVar:

NM_022168.4(IFIH1):c.1879G>T (p.Glu627Ter)

Gene: IFIH1 (interferon induced with helicase C domain 1; minus strand). Cytogenetic location: 2q24.2.
Variant type: single nucleotide variant.
Coding change: c.1879G>T on transcript NM_022168.4 (MANE Select); coding-DNA position 1879, G replaced by T.
Protein change: p.Glu627Ter; replaces glutamic acid 627 with a stop codon.
Molecular consequence: nonsense.
Genome position (GRCh38, 1-based): chr2:162,277,580, C>A on the plus strand (G>T on the coding strand, the complement: IFIH1 is on the minus strand). VCF-style: chr2-162277580-C-A. GRCh37 (hg19) VCF-style: chr2-163134090-C-A.
Other names: p.Glu627*; c.1879G>T, p.Glu627Ter (LRG_1235t1); c.1879G>T (NM_022168.2); short protein forms E627*.
Identifiers: ClinVar variation 377048 (VCV000377048.71), dbSNP rs35744605, ClinGen allele CA1934360.

ClinVar aggregate classification (germline): Conflicting classifications of pathogenicity. Review status: criteria provided, conflicting classifications (1 of 4 stars). 14 submissions from 14 submitters: Likely pathogenic (1); Uncertain significance (2); Benign (3); Likely benign (7). 1 of the submissions does not count toward it. Last evaluated 2026-11-17.

Conditions:
Aicardi-Goutieres syndrome 7 (AGS7). Identifiers: Orphanet 51, MedGen C3888244, MONDO:0014367, OMIM 615846.
Immunodeficiency 95 (IMD95). Identifiers: MedGen C5676929, MONDO:0030692, OMIM 619773.
Singleton-Merten syndrome 1 (SGMRT1). Also called: Widened medullary cavities of bone, aortic calcification, abnormal dentition, and muscular weakness; Syndrome of widened medullary cavities of the metacarpals and phalanges, aortic calcification and abnormal dentition. Identifiers: Orphanet 85191, MedGen C4225427, MONDO:0024535, OMIM 182250.
Primary ciliary dyskinesia. Also called: Ciliary dyskinesia. Identifiers: Orphanet 244, MedGen C0008780, MONDO:0016575, HP:0012265.
IFIH1-related disorder. Also called: IFIH1-related condition.
Inborn genetic diseases. Identifiers: MedGen C0950123, MeSH D030342.
IFIH1-related immunodeficiency.

Allele frequency attached by ClinVar (database versions not stated): 1000 Genomes Project 0.00140; 1000 Genomes Project 30x 0.00172; TOPMed 0.00359; gnomAD 0.00367; ESP Exome Variant Server 0.00400.
gnomAD v4.1: 8,337 of 1,611,082 alleles (0.52%); highest among the groups gnomAD compares: Non-Finnish European, 0.65%; 30 homozygotes.

Submissions (14):

Mayo Clinic Laboratories, Mayo Clinic
Classification: Uncertain significance. Last evaluated: 2026-11-17. Review status: criteria provided, single submitter. Criteria: ACMG Guidelines, 2015. Collection method: clinical testing. Allele origin: germline. Observed: 5 variant alleles.
Comment: The heterozygous c.1879G>T (p.Glu627*) nonsense variant in the IFIH1 gene (MIM:606951) is classified as a variant of uncertain significance. The IFIH1 gene encodes interferon induced with helicase C domain 1, an intracellular sensor of viral RNA involved in activating the antiviral response. Pathogenic gain-of-function variants in this gene are associated with autosomal dominant Aicardi-Goutieres syndrome 7 and autosomal dominant Singleton-Merten syndrome 1, while autosomal recessive loss-of-function variants in this gene are associated with immunodeficiency 95. This variant is predicted to cause premature protein truncation and is expected to result in loss of function. This variant has been reported in the heterozygous state in several individuals with inflammatory bowel disease (PMID:34185153)(PMID:28008999) and in one pediatric case of a respiratory infection requiring invasive ventilation (PMID:28716935). Additionally, this variant has been associated with resistance to type 1 diabetes mellitus in at least two genome wide association studies (PMID:19324880)(PMID:19264985). Functional studies of this variant suggest that this variant results in a null allele with absent protein function (loss-of-function) (PMID:34185153)(PMID:28716935)(PMID:19324880); however the biological impact of this loss of function remains unclear due to the high frequency of this variant in large control databases. The overall minor allele frequency for this variant (rs35744605) is approximately 0.319% with a frequency up to 0.579% in Non-Finnish European sub-populations, including one homozygote.This frequency is higher than expected for a highly penetrant, pathogenic variant causing disease; however it is too low to entirely rule out a role in disease. Taken together, the evidence is not sufficient to determine whether this variant is benign or pathogenic. Therefore, this variant is classified as a variant of uncertain significance in association with autosomal recessive immunodeficiency 95 (BS2, PS3, PVS1). It is classified as likely benign in association with autosomal dominant Aicardi-Goutieres syndrome 7 and autosomal dominant Singleton-Merten syndrome 1.

CeGaT Center for Human Genetics Tuebingen
Classification: Likely benign. Last evaluated: 2026-09-01. Review status: criteria provided, single submitter. Criteria: CeGaT Center For Human Genetics Tuebingen Variant Classification Criteria Version 2. Collection method: clinical testing. Allele origin: germline. Affected: yes. Observed: 28 variant alleles.
Comment: IFIH1: BS2

Department of Human Genetics, Hannover Medical School
Classification: Likely pathogenic for Primary Ciliary Dyskinesia. Last evaluated: 2026-04-01. Review status: criteria provided, single submitter. Criteria: ACMG Guidelines, 2015. Collection method: research. Allele origin: germline. Affected: no.
Comment: Classification performed by HerediClassify using the following criteria:['PVS1_protein_very_strong: Transcript ENST00000649979 is predicted to undergo NMD.']

Women's Health and Genetics/Laboratory Corporation of America, LabCorp
Classification: Benign. Last evaluated: 2026-03-13. Review status: criteria provided, single submitter. Criteria: LabCorp Variant Classification Summary - May 2015. Collection method: clinical testing. Allele origin: germline.
Comment: Variant summary: IFIH1 c.1879G>T (p.Glu627X) results in a premature termination codon, predicted to cause a truncation of the encoded protein or absence of the protein due to nonsense mediated decay, however current evidence is not sufficient to establish loss of function as a mechanism for disease. The variant allele was found at a frequency of 0.0032 in 250898 control chromosomes, predominantly at a frequency of 0.0059 within the Non-Finnish European subpopulation in the gnomAD database, including 1 homozygotes. The observed variant frequency within Non-Finnish European control individuals in the gnomAD database exceeds the estimated maximal expected allele frequency for disease-causing variants in IFIH1. To our knowledge, no occurrence of c.1879G>T in individuals affected with IFIH1-related conditions and no experimental evidence demonstrating its impact on protein function have been reported. ClinVar contains an entry for this variant (Variation ID: 377048). Based on the evidence outlined above, the variant was classified as benign.

Labcorp Genetics (formerly Invitae), Labcorp
Classification: Benign for Aicardi-Goutieres syndrome 7; Singleton-Merten syndrome 1. Last evaluated: 2026-02-02. Review status: criteria provided, single submitter. Criteria: Invitae Variant Classification Sherloc (09022015). Collection method: clinical testing. Allele origin: germline.

Blueprint Genetics
Classification: Likely benign. Last evaluated: 2024-11-26. Review status: criteria provided, single submitter. Criteria: ACMG Guidelines, 2015. Collection method: clinical testing. Allele origin: germline.

Ambry Genetics
Classification: Benign for Inborn genetic diseases. Last evaluated: 2022-08-17. Review status: criteria provided, single submitter. Criteria: Ambry Variant Classification Scheme 2023. Collection method: clinical testing. Allele origin: germline.

Department of Pathology and Laboratory Medicine, Sinai Health System
Classification: Likely benign for Singleton-Merten syndrome 1; Aicardi-Goutieres syndrome 7; Immunodeficiency 95. Last evaluated: 2021-07-30. Review status: criteria provided, single submitter. Criteria: ACMG Guidelines, 2015. Collection method: research. Allele origin: germline.

Mendelics
Classification: Likely benign for Singleton-Merten syndrome 1. Last evaluated: 2019-05-28. Review status: criteria provided, single submitter. Criteria: Mendelics Assertion Criteria 2017. Collection method: clinical testing. Allele origin: unknown.

Institute of Human Genetics, University of Leipzig Medical Center
Classification: Likely benign for Aicardi-Goutieres syndrome 7. Last evaluated: 2019-01-01. Review status: criteria provided, single submitter. Criteria: ACMG Guidelines, 2015. Collection method: clinical testing. Allele origin: unknown. Affected: yes.

Undiagnosed Diseases Network, NIH
Classification: Uncertain significance for IFIH1-related immunodeficiency. Last evaluated: 2018-09-18. Review status: criteria provided, single submitter. Criteria: ACMG Guidelines, 2015. Collection method: clinical testing. Allele origin: unknown. Inheritance: Autosomal recessive inheritance. Affected: yes. Observed: 1 variant allele, 1 compound heterozygote. Study: Undiagnosed Diseases Network (NIH), UDN.

Center for Pediatric Genomic Medicine, Children's Mercy Hospital and Clinics
Classification: Likely benign. Last evaluated: 2017-01-10. Review status: criteria provided, single submitter. Criteria: ACMG Guidelines, 2015. Collection method: clinical testing. Allele origin: germline.
ClinVar note: Converted during submission from Likely Benign to Likely benign.

Center for Genomics, Ann and Robert H. Lurie Children's Hospital of Chicago
Classification: Likely benign for Immunodeficiency 95; Aicardi-Goutieres syndrome 7; Singleton-Merten syndrome 1. Review status: criteria provided, single submitter. Criteria: ACMG Guidelines, 2015. Collection method: clinical testing. Allele origin: germline.
Comment: This variant has been reported in the literature in multiple individuals, largely in the context as a risk modifier for a variety of conditions such as type I diabetes and inflammatory bowel disease (Nejentsev 2009 PMID:19264985, Chistiakov 2010 PMID:20736039, Ostrowski 2016 PMID:28008999, Asgari 2017 PMID:28716935, Cananzi 2021 PMID:34185153). This variant is present in the Genome Aggregation Database (Highest reported MAF 0.6% (418/68032) including 3 homozygotes. This variant is present in ClinVar, with several labs classifying this variant as Likely Benign or Benign (Variation ID:377048). Evolutionary conservation and computational predictive tools for this variant are limited or unavailable. This variant creates a premature stop at this codon which results in an absent or abnormal protein. Functional studies support a deleterious effect of this variant (Shigemoto 2018 PMID:19324880, Cananzi 2021 PMID:34185153). However, these studies may not accurately represent in vivo biological function. Although an impact to the protein is expected due to this variant, the high presence of the variant and homozygotes in control cohorts as well as the multiple entries of Likely Benign or Benign in ClinVar suggest that the effect of this variant is more akin to a risk allele vs. a mendelian disease allele. Therefore, this variant is classified as Likely Benign.

PreventionGenetics, part of Exact Sciences
Classification: Likely benign for IFIH1-related condition. Last evaluated: 2020-09-10. Review status: no assertion criteria provided. Collection method: clinical testing. Allele origin: germline. Not counted in ClinVar's aggregate classification.
Comment: This variant is classified as likely benign based on ACMG/AMP sequence variant interpretation guidelines (Richards et al. 2015 PMID: 25741868, with internal and published modifications).

Literature cited by the submitters: PubMed 34185153 (cited by Mayo Clinic Laboratories, Mayo Clinic); PubMed 28008999 (cited by Mayo Clinic Laboratories, Mayo Clinic); PubMed 28716935 (cited by Mayo Clinic Laboratories, Mayo Clinic); PubMed 19324880 (cited by Mayo Clinic Laboratories, Mayo Clinic).